The following is an entry in ClinVar:

NM_058216.3(RAD51C):c.562A>G (p.Lys188Glu)

Gene: RAD51C (RAD51 paralog C; plus strand). Cytogenetic location: 17q22.
Variant type: single nucleotide variant.
Coding change: c.562A>G on transcript NM_058216.3 (MANE Select); coding-DNA position 562, A replaced by G.
Protein change: p.Lys188Glu; replaces lysine 188 with glutamic acid.
Molecular consequence: missense variant.
Genome position (GRCh38, 1-based): chr17:58,696,850, A>G. VCF-style: chr17-58696850-A-G. GRCh37 (hg19) VCF-style: chr17-56774211-A-G.
Other names: short protein forms K188E.
Identifiers: ClinVar variation 2810672 (VCV002810672.3), dbSNP rs2143749817, ClinGen allele CA400345468.
Genomic context (GRCh38, chr17:58,696,850, plus strand): 5'-AGAGTGGTAGACCTTGCTACTGCCTGCATTCAGCACCTTCAGCTTATAGCAGAAAAACAC[A>G]AGGGAGAGGGTAAGTTAGTAAATGATCTTCTTTTTTTCTGTATTAATAAAAGTAATTTGC-3'
Protein context (NP_478123.1, residues 178-198): QHLQLIAEKH[Lys188Glu]GEEHRKALED

ClinVar aggregate classification (germline): Uncertain significance (1 of 4 stars; one submission).

Conditions:
Fanconi anemia complementation group O. Also called: RAD51C-Related Fanconi Anemia. Identifiers: Orphanet 84, MedGen C3150653, MONDO:0013248, OMIM 613390.

Submission:

Labcorp Genetics (formerly Invitae), Labcorp
Classification: Uncertain significance for Fanconi anemia complementation group O. Last evaluated: 2022-12-04. Review status: criteria provided, single submitter. Criteria: Invitae Variant Classification Sherloc (09022015). Collection method: clinical testing. Allele origin: germline.
Comment: In summary, the available evidence is currently insufficient to determine the role of this variant in disease. Therefore, it has been classified as a Variant of Uncertain Significance. Algorithms developed to predict the effect of missense changes on protein structure and function (SIFT, PolyPhen-2, Align-GVGD) all suggest that this variant is likely to be tolerated. This variant has not been reported in the literature in individuals affected with RAD51C-related conditions. This variant is not present in population databases (gnomAD no frequency). This sequence change replaces lysine, which is basic and polar, with glutamic acid, which is acidic and polar, at codon 188 of the RAD51C protein (p.Lys188Glu).